The following is an entry in ClinVar:

NM_005861.4(STUB1):c.746G>T (p.Gly249Val)

Genes: STUB1 (STIP1 homology and U-box containing protein 1; plus strand), JMJD8 (jumonji domain containing 8; minus strand). Cytogenetic location: 16p13.3.
Variant type: single nucleotide variant.
Coding change: c.746G>T on transcript NM_005861.4 (MANE Select); coding-DNA position 746, G replaced by T.
Protein change: p.Gly249Val; replaces glycine 249 with valine.
Molecular consequence: missense variant. On other transcripts: 3 prime UTR variant (5), non-coding transcript variant (3).
Genome position (GRCh38, 1-based): chr16:682,241, G>T. VCF-style: chr16-682241-G-T. GRCh37 (hg19) VCF-style: chr16-732241-G-T.
Other names: c.530G>T, p.Gly177Val (NM_001293197.2); c.*553C>A (NM_001005920.4, NM_001323919.3, NM_001323920.3); c.*587C>A (NM_001323918.3, NM_001323922.3); c.746G>T (NM_005861.3); short protein forms G177V, G249V.
Identifiers: ClinVar variation 1678576 (VCV001678576.3), dbSNP rs2151506587, ClinGen allele CA394114251.
Genomic context (GRCh38, chr16:682,241, plus strand): 5'-ACTACCTGTGTGGCAAGATCAGCTTTGAGCTGATGCGGGAGCCGTGCATCACGCCCAGTG[G>T]CATCACCTACGACCGCAAGGACATCGAGGAGCACCTGCAGGTGAGGCCTGCGGCTGGGGG-3'
Protein context (NP_005852.2, residues 239-259): LMREPCITPS[Gly249Val]ITYDRKDIEE

ClinVar aggregate classification (germline): Uncertain significance. Review status: criteria provided, multiple submitters, no conflicts (2 of 4 stars). 2 submissions from 2 submitters: Uncertain significance (2). Last evaluated 2022-02-02.

Conditions:
Spinocerebellar ataxia 48. Identifiers: Orphanet 631103, MedGen C4748158, MONDO:0032526, OMIM 618093.
Autosomal recessive spinocerebellar ataxia 16. Identifiers: Orphanet 412057, MedGen C5190574, MONDO:0014339, OMIM 615768.

Submissions (2):

Victorian Clinical Genetics Services, Murdoch Childrens Research Institute
Classification: Uncertain significance for Autosomal recessive spinocerebellar ataxia 16. Last evaluated: 2022-02-02. Review status: criteria provided, single submitter. Criteria: ACMG Guidelines, 2015. Collection method: clinical testing. Allele origin: germline.
Comment: Based on the classification scheme VCGS_Germline_v1.3.4, this variant is classified as VUS-3A. Following criteria are met: 0103 - Dominant negative and loss of function are suggested mechanisms of disease in this gene and are associated with spinocerebellar ataxia 48 (SCA48; MIM#618093) and spinocerebellar ataxia 16 (MIM#615768), respectively (PMID: 34565360). (I) 0108 - This gene is associated with both recessive and dominant disease. Monoallelic variants have been reported to result in SCA48, whereas biallelic variants have been associated with SCA16 (PMID: 34565360). However, it remains unclear why p.(Arg241Trp) and p.(Cys232Gly) have been associated with both phenotypes (PMID: 33417001). (I) 0115 - Variants in this gene are known to have variable expressivity. There is inter- and intrafamilial variability of both severity and features (PMID: 33417001). (I) 0200 - Variant is predicted to result in a missense amino acid change from glycine to valine. (I) 0251 - This variant is heterozygous. (I) 0301 - Variant is absent from gnomAD (both v2 and v3). (SP) 0501 - Missense variant consistently predicted to be damaging by multiple in silico tools or highly conserved with a major amino acid change. (SP) 0600 - Variant is located in the annotated U-box domain (DECIPHER). (I) 0705 - No comparable missense variants have previous evidence for pathogenicity. (I) 0807 - This variant has no previous evidence of pathogenicity. However, this family has been reported by Pakdaman, Y. (I) 0905 - No published segregation evidence has been identified for this variant. (I) 1002 - This variant has moderate functional evidence supporting abnormal protein function. Mutagenesis studies showed mutant allele impaired ubiquitination and self-ubiquitination activity. In addition, mutant resulted in a lack of dimers compared to wild-type with a consequent accumulation of aggregates (PMID: 34070858). (SP) 1208 - Inheritance information for this variant is not currently available in this individual. (I) Legend: (SP) - Supporting pathogenic, (I) - Information, (SB) - Supporting benign

Molecular Genetics, Royal Melbourne Hospital
Classification: Uncertain significance for Spinocerebellar ataxia 48. Last evaluated: 2021-07-02. Review status: criteria provided, single submitter. Criteria: ACMG Guidelines, 2015. Collection method: clinical testing. Allele origin: germline. Affected: yes.
Comment: This sequence change is predicted to replace glycine with valine at codon 249 of the STUB1 protein (p.(Gly249Val)). The glycine residue is evolutionarily conserved (100 vertebrates, UCSC), and located in the ubiquitin ligase (U-box) domain (UniProt). There is a large physicochemical difference between glycine and valine. The variant is absent in a large population cohort (gnomAD v2.1). In vitro functional assays demonstrated that the variant impaired ubiquitination activity on the Hsc70 substrate and inability to perform self-ubiquitination (PMID: 34070858). Multiple lines of computational evidence predict a deleterious effect for the missense substitution (5/6 algorithms). Based on the classification scheme RMH ACMG Guidelines v1.4.0, this variant is classified as a VARIANT OF UNCERTAIN SIGNIFICANCE. Following criteria are met: PS3_Supporting, PM2_Supporting, PP3.

Literature cited by the submitters: PubMed 34070858 (cited by Victorian Clinical Genetics Services, Murdoch Childrens Research Institute and Molecular Genetics, Royal Melbourne Hospital); PubMed 33417001 (cited by Victorian Clinical Genetics Services, Murdoch Childrens Research Institute); PubMed 34565360 (cited by Victorian Clinical Genetics Services, Murdoch Childrens Research Institute).